The following is an entry in ClinVar:

ClinVar aggregate classification (germline): Uncertain significance (1 of 4 stars; one submission).

Allele frequency attached by ClinVar (database versions not stated): ExAC 0.00002; gnomAD 0.00003; gnomAD exomes 0.00004; TOPMed 0.00008.
gnomAD v4.1: 72 of 1,613,720 alleles (0.0045%); highest among the groups gnomAD compares: Admixed American, 0.005%; no homozygotes.

Submission:

Labcorp Genetics (formerly Invitae), Labcorp
Classification: Uncertain significance. Last evaluated: 2024-05-29. Review status: criteria provided, single submitter. Criteria: Invitae Variant Classification Sherloc (09022015). Collection method: clinical testing. Allele origin: germline.
Comment: This sequence change replaces valine, which is neutral and non-polar, with isoleucine, which is neutral and non-polar, at codon 120 of the IRF9 protein (p.Val120Ile). This variant is present in population databases (rs377127138, gnomAD 0.009%). This variant has not been reported in the literature in individuals affected with IRF9-related conditions. ClinVar contains an entry for this variant (Variation ID: 2067567). An algorithm developed to predict the effect of missense changes on protein structure and function (PolyPhen-2) suggests that this variant is likely to be tolerated. In summary, the available evidence is currently insufficient to determine the role of this variant in disease. Therefore, it has been classified as a Variant of Uncertain Significance.

NM_006084.5(IRF9):c.358G>A (p.Val120Ile)

Gene: IRF9 (interferon regulatory factor 9; plus strand). Cytogenetic location: 14q12.
Variant type: single nucleotide variant.
Coding change: c.358G>A on transcript NM_006084.5 (MANE Select); coding-DNA position 358, G replaced by A.
Protein change: p.Val120Ile; replaces valine 120 with isoleucine.
Molecular consequence: missense variant.
Genome position (GRCh38, 1-based): chr14:24,163,143, G>A. VCF-style: chr14-24163143-G-A. GRCh37 (hg19) VCF-style: chr14-24632352-G-A.
Other names: c.358G>A, p.Val120Ile (NM_001385400.1, NM_001385401.1, NM_001385402.1); short protein forms V120I.
Identifiers: ClinVar variation 2067567 (VCV002067567.4), dbSNP rs377127138, ClinGen allele CA7126406.